The following is an entry in ClinVar:

NM_024675.4(PALB2):c.2764A>G (p.Ile922Val)

Gene: PALB2 (partner and localizer of BRCA2; minus strand). Cytogenetic location: 16p12.2.
Variant type: single nucleotide variant.
Coding change: c.2764A>G on transcript NM_024675.4 (MANE Select); coding-DNA position 2764, A replaced by G.
Protein change: p.Ile922Val; replaces isoleucine 922 with valine.
Molecular consequence: missense variant.
Genome position (GRCh38, 1-based): chr16:23,624,079, T>C on the plus strand (A>G on the coding strand, the complement: PALB2 is on the minus strand). VCF-style: chr16-23624079-T-C. GRCh37 (hg19) VCF-style: chr16-23635400-T-C.
Other names: short protein forms I922V.
Identifiers: ClinVar variation 480281 (VCV000480281.17), dbSNP rs1555459736, ClinGen allele CA395145206.

ClinVar aggregate classification (germline): Uncertain significance. Review status: criteria provided, multiple submitters, no conflicts (2 of 4 stars). 2 submissions from 2 submitters: Uncertain significance (2). Last evaluated 2024-11-24.

Conditions:
Familial cancer of breast. Also called: BREAST CANCER, FAMILIAL; Hereditary breast cancer; hereditary breast carcinoma. Identifiers: Orphanet 227535, MedGen C0346153, MONDO:0016419, OMIM 114480. Disease mechanism: loss of function.
Hereditary cancer-predisposing syndrome. Also called: Hereditary Cancer Syndrome; Neoplastic Syndromes, Hereditary; Tumor predisposition; Hereditary neoplastic syndrome. Identifiers: Orphanet 140162, MedGen C0027672, MeSH D009386, MONDO:0015356.

Submissions (2):

Labcorp Genetics (formerly Invitae), Labcorp
Classification: Uncertain significance for Familial cancer of breast. Last evaluated: 2024-11-24. Review status: criteria provided, single submitter. Criteria: Invitae Variant Classification Sherloc (09022015). Collection method: clinical testing. Allele origin: germline.
Comment: This sequence change replaces isoleucine, which is neutral and non-polar, with valine, which is neutral and non-polar, at codon 922 of the PALB2 protein (p.Ile922Val). This variant is not present in population databases (gnomAD no frequency). This variant has not been reported in the literature in individuals affected with PALB2-related conditions. ClinVar contains an entry for this variant (Variation ID: 480281). Invitae Evidence Modeling of protein sequence and biophysical properties (such as structural, functional, and spatial information, amino acid conservation, physicochemical variation, residue mobility, and thermodynamic stability) has been performed for this missense variant. However, the output from this modeling did not meet the statistical confidence thresholds required to predict the impact of this variant on PALB2 protein function. In summary, the available evidence is currently insufficient to determine the role of this variant in disease. Therefore, it has been classified as a Variant of Uncertain Significance.

Ambry Genetics
Classification: Uncertain significance for Hereditary cancer-predisposing syndrome. Last evaluated: 2017-01-25. Review status: criteria provided, single submitter. Criteria: Ambry Variant Classification Scheme 2023. Collection method: clinical testing. Allele origin: germline.
Comment: The p.I922V variant (also known as c.2764A>G), located in coding exon 8 of the PALB2 gene, results from an A to G substitution at nucleotide position 2764. The isoleucine at codon 922 is replaced by valine, an amino acid with highly similar properties. This amino acid position is highly conserved in available vertebrate species. In addition, this alteration is predicted to be tolerated by in silico analysis. Since supporting evidence is limited at this time, the clinical significance of this alteration remains unclear.